The following is an entry in ClinVar:

ClinVar aggregate classification (germline): Uncertain significance. Review status: criteria provided, multiple submitters, no conflicts (2 of 4 stars). 5 submissions from 5 submitters: Uncertain significance (3). 2 of the submissions do not count toward it. Last evaluated 2025-05-02.

Conditions:
Familial adenomatous polyposis 1 (FAP1). Also called: POLYPOSIS, ADENOMATOUS INTESTINAL; FAMILIAL ADENOMATOUS POLYPOSIS 1, ATTENUATED. Identifiers: MedGen C2713442, MONDO:0021056, OMIM 175100. Disease mechanism: loss of function.
Hereditary cancer-predisposing syndrome. Also called: Neoplastic Syndromes, Hereditary; Hereditary Cancer Syndrome; Hereditary neoplastic syndrome; Tumor predisposition. Identifiers: Orphanet 140162, MedGen C0027672, MeSH D009386, MONDO:0015356.
Familial cancer of breast. Also called: BREAST CANCER, FAMILIAL; Hereditary breast cancer; hereditary breast carcinoma. Identifiers: Orphanet 227535, MedGen C0346153, MONDO:0016419, OMIM 114480. Disease mechanism: loss of function.

Submissions (5):

Labcorp Genetics (formerly Invitae), Labcorp
Classification: Uncertain significance for Familial adenomatous polyposis 1. Last evaluated: 2025-05-02. Review status: criteria provided, single submitter. Criteria: Invitae Variant Classification Sherloc (09022015). Collection method: clinical testing. Allele origin: germline.
Comment: This sequence change replaces aspartic acid, which is acidic and polar, with valine, which is neutral and non-polar, at codon 57 of the APC protein (p.Asp57Val). This variant is not present in population databases (gnomAD no frequency). This variant has not been reported in the literature in individuals affected with APC-related conditions. ClinVar contains an entry for this variant (Variation ID: 202202). Invitae Evidence Modeling of protein sequence and biophysical properties (such as structural, functional, and spatial information, amino acid conservation, physicochemical variation, residue mobility, and thermodynamic stability) indicates that this missense variant is not expected to disrupt APC protein function with a negative predictive value of 95%. In summary, the available evidence is currently insufficient to determine the role of this variant in disease. Therefore, it has been classified as a Variant of Uncertain Significance.

Ambry Genetics
Classification: Uncertain significance for Hereditary cancer-predisposing syndrome. Last evaluated: 2023-09-28. Review status: criteria provided, single submitter. Criteria: Ambry Variant Classification Scheme 2023. Collection method: clinical testing. Allele origin: germline.
Comment: The p.D57V variant (also known as c.170A>T), located in coding exon 2 of the APC gene, results from an A to T substitution at nucleotide position 170. The aspartic acid at codon 57 is replaced by valine, an amino acid with highly dissimilar properties. This alteration was detected in a cohort of 224 unrelated Brazilian individuals with breast cancer (Sandoval RL et al. PLoS One, 2021 Feb;16:e0247363). This amino acid position is well conserved in available vertebrate species. In addition, in silico predictors for this gene do not accurately predict pathogenicity. Since supporting evidence is limited at this time, the clinical significance of this alteration remains unclear.

Myriad Genetics, Inc.
Classification: Uncertain significance for Familial adenomatous polyposis 1. Last evaluated: 2023-02-15. Review status: criteria provided, single submitter. Criteria: Myriad Autosomal Dominant, Autosomal Recessive and X-Linked Classification Criteria (2023). Collection method: clinical testing. Allele origin: unknown.
Comment: This variant is classified as a variant of uncertain significance as there is insufficient evidence to determine its impact on protein function and/or cancer risk.

Counsyl
Classification: Uncertain significance for Familial adenomatous polyposis 1. Last evaluated: 2018-03-12. Review status: no assertion criteria provided. Collection method: clinical testing. Allele origin: unknown. Not counted in ClinVar's aggregate classification.

Mendelics
Classification: Uncertain significance for Familial cancer of breast. Last evaluated: 2016-05-13. Review status: no assertion criteria provided. Collection method: clinical testing. Allele origin: unknown. Affected: yes. Not counted in ClinVar's aggregate classification.

Literature cited by the submitters: PubMed 33606809 (cited by Ambry Genetics); PubMed 20301519 (cited by Mendelics).

NM_000038.6(APC):c.170A>T (p.Asp57Val)

Gene: APC (APC regulator of Wnt signaling pathway; plus strand). Cytogenetic location: 5q22.2.
Variant type: single nucleotide variant.
Coding change: c.170A>T on transcript NM_000038.6 (MANE Select); coding-DNA position 170, A replaced by T.
Protein change: p.Asp57Val; replaces aspartic acid 57 with valine.
Molecular consequence: missense variant. On other transcripts: 5 prime UTR variant (4).
Genome position (GRCh38, 1-based): chr5:112,766,360, A>T. VCF-style: chr5-112766360-A-T. GRCh37 (hg19) VCF-style: chr5-112102057-A-T.
Other names: c.170A>T, p.Asp57Val (NM_001127510.3, NM_001354895.2, NM_001354896.2 and 2 more transcripts); c.200A>T, p.Asp67Val (NM_001127511.3, NM_001354897.2, NM_001354902.2); c.95A>T, p.Asp32Val (NM_001354898.2, NM_001354904.2); c.-8A>T (NM_001354900.2, NM_001354901.2, NM_001354905.2); c.-866A>T (NM_001354906.2); short protein forms D57V, D67V, D32V.
Identifiers: ClinVar variation 202202 (VCV000202202.15), dbSNP rs794729227, ClinGen allele CA005471.